The following is an entry in ClinVar:

ClinVar aggregate classification (germline): Uncertain significance (1 of 4 stars; one submission).

Allele frequency attached by ClinVar (database versions not stated): ExAC 0.00001; 1000 Genomes Project 30x 0.00016; 1000 Genomes Project 0.00020.
gnomAD v4.1: 9 of 1,614,142 alleles (0.00056%); highest among the groups gnomAD compares: South Asian, 0.0055%; no homozygotes.

Submission:

Labcorp Genetics (formerly Invitae), Labcorp
Classification: Uncertain significance. Last evaluated: 2025-08-27. Review status: criteria provided, single submitter. Criteria: Invitae Variant Classification Sherloc (09022015). Collection method: clinical testing. Allele origin: germline.
Comment: This sequence change replaces glutamic acid, which is acidic and polar, with glutamine, which is neutral and polar, at codon 209 of the PSMB4 protein (p.Glu209Gln). This variant is present in population databases (rs202077271, gnomAD 0.003%). This variant has not been reported in the literature in individuals affected with PSMB4-related conditions. ClinVar contains an entry for this variant (Variation ID: 1919262). An algorithm developed to predict the effect of missense changes on protein structure and function (PolyPhen-2) suggests that this variant is likely to be tolerated. In summary, the available evidence is currently insufficient to determine the role of this variant in disease. Therefore, it has been classified as a Variant of Uncertain Significance.

NM_002796.3(PSMB4):c.625G>C (p.Glu209Gln)

Gene: PSMB4 (proteasome 20S subunit beta 4; plus strand). Cytogenetic location: 1q21.3.
Variant type: single nucleotide variant.
Coding change: c.625G>C on transcript NM_002796.3 (MANE Select); coding-DNA position 625, G replaced by C.
Protein change: p.Glu209Gln; replaces glutamic acid 209 with glutamine.
Molecular consequence: missense variant.
Genome position (GRCh38, 1-based): chr1:151,401,287, G>C. VCF-style: chr1-151401287-G-C. GRCh37 (hg19) VCF-style: chr1-151373763-G-C.
Other names: short protein forms E209Q.
Identifiers: ClinVar variation 1919262 (VCV001919262.5), dbSNP rs202077271, ClinGen allele CA1090729.